The following is an entry in ClinVar:

NM_007194.4(CHEK2):c.1607C>T (p.Pro536Leu)

Gene: CHEK2 (checkpoint kinase 2; minus strand). Cytogenetic location: 22q12.1.
Variant type: single nucleotide variant.
Coding change: c.1607C>T on transcript NM_007194.4 (MANE Select); coding-DNA position 1607, C replaced by T.
Protein change: p.Pro536Leu; replaces proline 536 with leucine.
Molecular consequence: missense variant.
Genome position (GRCh38, 1-based): chr22:28,687,922, G>A on the plus strand (C>T on the coding strand, the complement: CHEK2 is on the minus strand). VCF-style: chr22-28687922-G-A. GRCh37 (hg19) VCF-style: chr22-29083910-G-A.
Other names: c.1736C>T, p.Pro579Leu (NM_001005735.3); c.944C>T, p.Pro315Leu (NM_001257387.3); c.1406C>T, p.Pro469Leu (NM_001349956.3); c.1520C>T, p.Pro507Leu (NM_145862.3); short protein forms P507L, P536L, P579L, P315L, P469L.
Identifiers: ClinVar variation 952711 (VCV000952711.13), dbSNP rs1601697447, ClinGen allele CA411091028.

ClinVar aggregate classification (germline): Conflicting classifications of pathogenicity. Review status: criteria provided, conflicting classifications (1 of 4 stars). 3 submissions from 3 submitters: Uncertain significance (2); Likely benign (1). Last evaluated 2025-03-04.

Conditions:
Hereditary cancer-predisposing syndrome. Also called: Tumor predisposition; Hereditary neoplastic syndrome; Neoplastic Syndromes, Hereditary; Hereditary Cancer Syndrome. Identifiers: Orphanet 140162, MedGen C0027672, MeSH D009386, MONDO:0015356.
Familial cancer of breast. Also called: BREAST CANCER, FAMILIAL; Hereditary breast cancer; hereditary breast carcinoma. Identifiers: Orphanet 227535, MedGen C0346153, MONDO:0016419, OMIM 114480. Disease mechanism: loss of function.

Allele frequency attached by ClinVar (database versions not stated): gnomAD exomes below 0.00001.

Submissions (3):

Color Diagnostics, LLC DBA Color Health
Classification: Uncertain significance for Hereditary cancer-predisposing syndrome. Last evaluated: 2025-03-04. Review status: criteria provided, single submitter. Criteria: ACMG Guidelines, 2015. Collection method: clinical testing. Allele origin: germline.
Comment: This missense variant replaces proline with leucine at codon 536 of the CHEK2 protein. Computational prediction suggests that this variant may not impact protein structure and function. Experimental studies have reported this variant as functional in KAP1 kinase and CHK2 autophosphorylation assays (PMID: 37449874). This variant has been reported in individuals suspected of Lynch syndrome (PMID: 25980754). This variant has not been identified in the general population by the Genome Aggregation Database (gnomAD). The available evidence is insufficient to determine the role of this variant in disease conclusively. Therefore, this variant is classified as a Variant of Uncertain Significance.

Labcorp Genetics (formerly Invitae), Labcorp
Classification: Uncertain significance for Familial cancer of breast. Last evaluated: 2022-08-16. Review status: criteria provided, single submitter. Criteria: Invitae Variant Classification Sherloc (09022015). Collection method: clinical testing. Allele origin: germline.
Comment: This sequence change replaces proline, which is neutral and non-polar, with leucine, which is neutral and non-polar, at codon 536 of the CHEK2 protein (p.Pro536Leu). In summary, the available evidence is currently insufficient to determine the role of this variant in disease. Therefore, it has been classified as a Variant of Uncertain Significance. Algorithms developed to predict the effect of missense changes on protein structure and function output the following: SIFT: "Tolerated"; PolyPhen-2: "Benign"; Align-GVGD: "Class C0". The leucine amino acid residue is found in multiple mammalian species, which suggests that this missense change does not adversely affect protein function. ClinVar contains an entry for this variant (Variation ID: 952711). This variant has not been reported in the literature in individuals affected with CHEK2-related conditions. This variant is not present in population databases (gnomAD no frequency).

Ambry Genetics
Classification: Likely benign for Hereditary cancer-predisposing syndrome. Last evaluated: 2021-08-16. Review status: criteria provided, single submitter. Criteria: Ambry Variant Classification Scheme 2023. Collection method: clinical testing. Allele origin: germline.

Literature cited by the submitters: PubMed 25980754 (cited by Color Diagnostics, LLC DBA Color Health); PubMed 37449874 (cited by Color Diagnostics, LLC DBA Color Health).